The following is an entry in ClinVar:

ClinVar aggregate classification (germline): Pathogenic (1 of 4 stars; one submission).

Conditions:
ACCES syndrome (ACCES). Also called: APLASIA CUTIS CONGENITA WITH ECTRODACTYLY SKELETAL SYNDROME. Identifiers: MedGen C5677019, MONDO:0859262, OMIM 619959.

Submission:

Institute of Human Genetics, University of Leipzig Medical Center
Classification: Pathogenic for ACCES syndrome. Last evaluated: 2026-05-18. Review status: criteria provided, single submitter. Criteria: ACMG Guidelines, 2015. Collection method: clinical testing. Allele origin: de novo. Inheritance: Autosomal dominant inheritance. Affected: yes.
Comment: Criteria applied: PVS1,PS2_MOD,PM2

NM_005499.3(UBA2):c.1253dup (p.Leu418fs)

Gene: UBA2 (ubiquitin like modifier activating enzyme 2; plus strand). Cytogenetic location: 19q13.11.
Variant type: Duplication.
Coding change: c.1253dup on transcript NM_005499.3 (MANE Select); coding-DNA position 1253, one base duplicated (T; older notation c.1253dupT).
Protein change: p.Leu418fs; shifts the reading frame from leucine 418.
Molecular consequence: frameshift variant.
Genome position (GRCh38, 1-based): chr19:34,458,776, T duplicated; the last of 7 consecutive T bases (chr19:34,458,770-34,458,776); duplicating any one gives the same sequence. VCF-style (leftmost placement, unchanged base first): chr19-34458769-A-AT. GRCh37 (hg19) VCF-style: chr19-34949674-A-AT.
Other names: c.965dup, p.Leu322fs (NM_001411139.1); short protein forms L322fs, L418fs.
Identifiers: ClinVar variation 4857417 (VCV004857417.1).